The following is an entry in ClinVar:

NM_013246.3(CLCF1):c.75G>A (p.Val25=)

Genes: CLCF1 (cardiotrophin like cytokine factor 1; minus strand), LOC100130987 (uncharacterized LOC100130987; plus strand). Cytogenetic location: 11q13.2.
Variant type: single nucleotide variant.
Coding change: c.75G>A on transcript NM_013246.3 (MANE Select); coding-DNA position 75, G replaced by A.
Protein change: p.Val25=; no amino-acid change (valine 25 retained).
Molecular consequence: synonymous variant.
Genome position (GRCh38, 1-based): chr11:67,367,568, C>T on the plus strand (G>A on the coding strand, the complement: CLCF1 is on the minus strand). VCF-style: chr11-67367568-C-T. GRCh37 (hg19) VCF-style: chr11-67135039-C-T.
Other names: c.45G>A, p.Val15= (NM_001166212.2).
Identifiers: ClinVar variation 3046787 (VCV003046787.2), dbSNP rs753589757, ClinGen allele CA6136193.
Genomic context (GRCh38, chr11:67,367,568, plus strand): 5'-GTCATAGGTTTTCTGGATGGAGGGGCCAGGCCCTGGGTCCCCTGTGCGATTGAGAGCTGG[C>T]ACTGCAGGGAGGTGCCAGAGCACCGTGCACAGGCACGCTAACATCCCCCACGAGTCCCCT-3'
Protein context (NP_037378.1, residues 15-35): LCTVLWHLPA[Val25=]PALNRTGDPG

ClinVar aggregate classification (germline): Likely benign (0 of 4 stars; one submission).

Conditions:
CLCF1-related disorder. Also called: CLCF1-related condition.

Allele frequency attached by ClinVar (database versions not stated): gnomAD exomes below 0.00001; ExAC 0.00001.

Submission:

PreventionGenetics, part of Exact Sciences
Classification: Likely benign for CLCF1-related condition. Last evaluated: 2019-03-20. Review status: no assertion criteria provided. Collection method: clinical testing. Allele origin: germline.
Comment: This variant is classified as likely benign based on ACMG/AMP sequence variant interpretation guidelines (Richards et al. 2015 PMID: 25741868, with internal and published modifications).